The following is an entry in ClinVar:

NM_000038.6(APC):c.8510C>T (p.Ser2837Phe)

Gene: APC (APC regulator of Wnt signaling pathway; plus strand). Cytogenetic location: 5q22.2.
Variant type: single nucleotide variant.
Coding change: c.8510C>T on transcript NM_000038.6 (MANE Select); coding-DNA position 8510, C replaced by T.
Protein change: p.Ser2837Phe; replaces serine 2837 with phenylalanine.
Molecular consequence: missense variant.
Genome position (GRCh38, 1-based): chr5:112,844,104, C>T. VCF-style: chr5-112844104-C-T. GRCh37 (hg19) VCF-style: chr5-112179801-C-T.
Other names: c.8510C>T, p.Ser2837Phe (NM_001127510.3, NM_001354895.2); c.8456C>T, p.Ser2819Phe (NM_001127511.3); c.8564C>T, p.Ser2855Phe (NM_001354896.2); c.8540C>T, p.Ser2847Phe (NM_001354897.2); c.8435C>T, p.Ser2812Phe (NM_001354898.2); c.8426C>T, p.Ser2809Phe (NM_001354899.2); c.8387C>T, p.Ser2796Phe (NM_001354900.2); c.8333C>T, p.Ser2778Phe (NM_001354901.2); and 5 more; short protein forms S2554F, S2736F, S2796F, S2812F, S2677F, S2746F, S2778F, S2809F.
Identifiers: ClinVar variation 1518116 (VCV001518116.8), dbSNP rs760103966, ClinGen allele CA16039792.

ClinVar aggregate classification (germline): Uncertain significance (1 of 4 stars; one submission).

Conditions:
Familial adenomatous polyposis 1 (FAP1). Also called: FAMILIAL ADENOMATOUS POLYPOSIS 1, ATTENUATED; POLYPOSIS, ADENOMATOUS INTESTINAL. Identifiers: MedGen C2713442, MONDO:0021056, OMIM 175100. Disease mechanism: loss of function.

gnomAD v4.1: 1 of 1,613,098 alleles (0.000062%); highest among the groups gnomAD compares: South Asian, 0.0011%; no homozygotes.

Submission:

Labcorp Genetics (formerly Invitae), Labcorp
Classification: Uncertain significance for Familial adenomatous polyposis 1. Last evaluated: 2021-03-22. Review status: criteria provided, single submitter. Criteria: Invitae Variant Classification Sherloc (09022015). Collection method: clinical testing. Allele origin: germline.
Comment: This variant is not present in population databases (ExAC no frequency). In summary, the available evidence is currently insufficient to determine the role of this variant in disease. Therefore, it has been classified as a Variant of Uncertain Significance. Algorithms developed to predict the effect of missense changes on protein structure and function (SIFT, PolyPhen-2, Align-GVGD) all suggest that this variant is likely to be disruptive, but these predictions have not been confirmed by published functional studies and their clinical significance is uncertain. This variant has not been reported in the literature in individuals with APC-related conditions. This sequence change replaces serine with phenylalanine at codon 2837 of the APC protein (p.Ser2837Phe). The serine residue is highly conserved and there is a large physicochemical difference between serine and phenylalanine.